The following is an entry in ClinVar:

ClinVar aggregate classification (germline): Benign. Review status: criteria provided, multiple submitters, no conflicts (2 of 4 stars). 2 submissions from 2 submitters: Benign (2). Last evaluated 2026-06-01.

Allele frequency attached by ClinVar (database versions not stated): 1000 Genomes Project 0.00399; 1000 Genomes Project 30x 0.00437; TOPMed 0.00460; gnomAD 0.00481 and 0.00506; ExAC 0.00609; ESP Exome Variant Server 0.00700.
gnomAD v4.1: 13,112 of 1,613,676 alleles (0.81%); highest among the groups gnomAD compares: South Asian, 1.1%; 76 homozygotes.

Submissions (2):

CeGaT Center for Human Genetics Tuebingen
Classification: Benign. Last evaluated: 2026-06-01. Review status: criteria provided, single submitter. Criteria: CeGaT Center For Human Genetics Tuebingen Variant Classification Criteria Version 2. Collection method: clinical testing. Allele origin: germline. Affected: yes. Observed: 6 variant alleles.
Comment: ZFHX4: BS1, BS2

Labcorp Genetics (formerly Invitae), Labcorp
Classification: Benign. Last evaluated: 2019-12-31. Review status: criteria provided, single submitter. Criteria: Invitae Variant Classification Sherloc (09022015). Collection method: clinical testing. Allele origin: germline.

NM_024721.5(ZFHX4):c.7406C>T (p.Pro2469Leu)

Gene: ZFHX4 (zinc finger homeobox 4; plus strand). Cytogenetic location: 8q21.13.
Variant type: single nucleotide variant.
Coding change: c.7406C>T on transcript NM_024721.5 (MANE Select); coding-DNA position 7406, C replaced by T.
Protein change: p.Pro2469Leu; replaces proline 2469 with leucine.
Molecular consequence: missense variant.
Genome position (GRCh38, 1-based): chr8:76,854,327, C>T. VCF-style: chr8-76854327-C-T. GRCh37 (hg19) VCF-style: chr8-77766563-C-T.
Other names: short protein forms P2469L.
Identifiers: ClinVar variation 776360 (VCV000776360.17), dbSNP rs61729528, ClinGen allele CA4787978.